The following is an entry in ClinVar:

ClinVar aggregate classification (germline): Uncertain significance. Review status: criteria provided, multiple submitters, no conflicts (2 of 4 stars). 4 submissions from 4 submitters: Uncertain significance (3). 1 of the submissions does not count toward it. Last evaluated 2025-12-31.

Conditions:
CEP290-related disorder. Also called: CEP290-related condition; CEP290-related disorders. Identifiers: MedGen CN239314.
Leber congenital amaurosis (LCA). Also called: Leber's amaurosis. Identifiers: Orphanet 65, MedGen C0339527, MeSH D057130, MONDO:0018998.
Nephronophthisis. Also called: Juvenile Nephronophthisis. Identifiers: Orphanet 655, MedGen C0687120, MONDO:0019005, HP:0000090.
Meckel-Gruber syndrome. Also called: GRUBER SYNDROME; Dysencephalia splachnocystica; DYSENCEPHALIA SPLANCHNOCYSTICA. Identifiers: Orphanet 564, MedGen C0265215, MONDO:0018921.
Joubert syndrome. Also called: Familial aplasia of the vermis; JOUBERT-BOLTSHAUSER SYNDROME. Identifiers: Orphanet 475, MedGen C5979921, MONDO:0018772.

Allele frequency attached by ClinVar (database versions not stated): gnomAD 0.00001; TOPMed 0.00002.
gnomAD v4.1: 19 of 1,611,350 alleles (0.0012%); highest among the groups gnomAD compares: Admixed American, 0.0017%; no homozygotes.

Submissions (4):

PreventionGenetics, part of Exact Sciences
Classification: Uncertain significance for CEP290-related condition. Last evaluated: 2025-12-31. Review status: criteria provided, single submitter. Criteria: ACMG Guidelines, 2015. Collection method: clinical testing. Allele origin: germline.
Comment: The CEP290 c.1198A>G variant is predicted to result in the amino acid substitution p.Thr400Ala. To our knowledge, this variant has not been reported in the literature. This variant is reported in 0.0029% of alleles in individuals of Latino descent in gnomAD. At this time, the clinical significance of this variant is uncertain due to the absence of conclusive functional and genetic evidence.

Blueprint Genetics
Classification: Uncertain significance. Last evaluated: 2024-11-19. Review status: criteria provided, single submitter. Criteria: ACMG Guidelines, 2015. Collection method: clinical testing. Allele origin: germline.

Labcorp Genetics (formerly Invitae), Labcorp
Classification: Uncertain significance for Joubert syndrome; Meckel-Gruber syndrome; Nephronophthisis. Last evaluated: 2022-08-21. Review status: criteria provided, single submitter. Criteria: Invitae Variant Classification Sherloc (09022015). Collection method: clinical testing. Allele origin: germline.
Comment: This sequence change replaces threonine, which is neutral and polar, with alanine, which is neutral and non-polar, at codon 400 of the CEP290 protein (p.Thr400Ala). This variant is present in population databases (rs772026871, gnomAD 0.003%). This variant has not been reported in the literature in individuals affected with CEP290-related conditions. ClinVar contains an entry for this variant (Variation ID: 964078). Algorithms developed to predict the effect of missense changes on protein structure and function output the following: SIFT: "Tolerated"; PolyPhen-2: "Benign"; Align-GVGD: "Class C0". The alanine amino acid residue is found in multiple mammalian species, which suggests that this missense change does not adversely affect protein function. In summary, the available evidence is currently insufficient to determine the role of this variant in disease. Therefore, it has been classified as a Variant of Uncertain Significance.

Natera, Inc.
Classification: Uncertain significance for Leber congenital amaurosis. Last evaluated: 2020-02-13. Review status: no assertion criteria provided. Collection method: clinical testing. Allele origin: germline. Not counted in ClinVar's aggregate classification.

NM_025114.4(CEP290):c.1198A>G (p.Thr400Ala)

Gene: CEP290 (centrosomal protein 290; minus strand). Cytogenetic location: 12q21.32.
Variant type: single nucleotide variant.
Coding change: c.1198A>G on transcript NM_025114.4 (MANE Select); coding-DNA position 1198, A replaced by G.
Protein change: p.Thr400Ala; replaces threonine 400 with alanine.
Molecular consequence: missense variant.
Genome position (GRCh38, 1-based): chr12:88,121,158, T>C on the plus strand (A>G on the coding strand, the complement: CEP290 is on the minus strand). VCF-style: chr12-88121158-T-C. GRCh37 (hg19) VCF-style: chr12-88514935-T-C.
Other names: short protein forms T400A.
Identifiers: ClinVar variation 964078 (VCV000964078.10), dbSNP rs772026871, ClinGen allele CA6712605.
Genomic context (GRCh38, chr12:88,121,158, plus strand): 5'-TTTTCTCTTTTAAAATGTCTAACGTTGACTGAATTTTCATATGAGTCTGTTGAGAAAGGG[T>C]TGAAGCACCTACAGAGTAAAAACAAAAATCATGAATTGAATTGACTACTTATTCCTTCAA-3'
Protein context (NP_079390.3, residues 390-410): NELQRNKGAS[Thr400Ala]LSQQTHMKIQ